The following is an entry in ClinVar:

ClinVar aggregate classification (germline): Uncertain significance (1 of 4 stars; one submission).

Conditions:
Adams-Oliver syndrome 2 (AOS2). Identifiers: Orphanet 974, MedGen C3280182, MONDO:0013635, OMIM 614219.

Submission:

Baylor Genetics
Classification: Uncertain significance for Adams-Oliver syndrome 2. Last evaluated: 2020-01-23. Review status: criteria provided, single submitter. Criteria: ACMG Guidelines, 2015. Collection method: clinical testing. Allele origin: unknown. Affected: yes.
Comment: This variant was determined to be of uncertain significance according to ACMG Guidelines, 2015 [PMID:25741868].

NM_020812.4(DOCK6):c.5345T>C (p.Ile1782Thr)

Gene: DOCK6 (dedicator of cytokinesis 6; minus strand). Cytogenetic location: 19p13.2.
Variant type: single nucleotide variant.
Coding change: c.5345T>C on transcript NM_020812.4 (MANE Select); coding-DNA position 5345, T replaced by C.
Protein change: p.Ile1782Thr; replaces isoleucine 1782 with threonine.
Molecular consequence: missense variant.
Genome position (GRCh38, 1-based): chr19:11,202,600, A>G on the plus strand (T>C on the coding strand, the complement: DOCK6 is on the minus strand). VCF-style: chr19-11202600-A-G. GRCh37 (hg19) VCF-style: chr19-11313276-A-G.
Other names: c.5450T>C, p.Ile1817Thr (NM_001367830.1); short protein forms I1817T, I1782T.
Identifiers: ClinVar variation 1028692 (VCV001028692.1), dbSNP rs866624292, ClinGen allele CA305302662.
Genomic context (GRCh38, chr19:11,202,600, plus strand): 5'-AGGCAGCCCCATGCCCCGTTCCACCCCCAACCACAAGGACGTGCCTCCAGCCGGTGTGAG[A>G]TCTCTGCCAGCTTCGTGATCGATGGCTCCTTGTACACAAACTCCTGCTCATCCAGGTCAC-3'
Protein context (NP_065863.2, residues 1772-1792): KEPSITKLAE[Ile1782Thr]SHRLEEFYTE